The following is an entry in ClinVar:

NM_020831.6(MRTFA):c.1970A>G (p.Gln657Arg)

Gene: MRTFA (myocardin related transcription factor A; minus strand). Cytogenetic location: 22q13.1.
Variant type: single nucleotide variant.
Coding change: c.1970A>G on transcript NM_020831.6 (MANE Select); coding-DNA position 1970, A replaced by G.
Protein change: p.Gln657Arg; replaces glutamine 657 with arginine.
Molecular consequence: missense variant.
Genome position (GRCh38, 1-based): chr22:40,418,768, T>C on the plus strand (A>G on the coding strand, the complement: MRTFA is on the minus strand). VCF-style: chr22-40418768-T-C. GRCh37 (hg19) VCF-style: chr22-40814772-T-C.
Other names: c.1670A>G, p.Gln557Arg (NM_001282660.2); c.1820A>G, p.Gln607Arg (NM_001282661.3); c.1970A>G, p.Gln657Arg (NM_001282662.3); c.1775A>G, p.Gln592Arg (NM_001318139.2); short protein forms Q557R, Q592R, Q657R, Q607R.
Identifiers: ClinVar variation 2810381 (VCV002810381.3), dbSNP rs1411819248, ClinGen allele CA411659074.
Genomic context (GRCh38, chr22:40,418,768, plus strand): 5'-TGCTTCACGGGGGTGCCGAGGGGGGCGGGGGCGGGGGCGGGCTGCTGGGCTCGCTTCTCC[T>C]GCTCCAGCTGCAGCTTGAGCCGCTCCACCAGCTGCTGCTTCTGCCGGAGCATGCGCGTCA-3'
Protein context (NP_065882.2, residues 647-667): LVERLKLQLE[Gln657Arg]EKRAQQPAPA

ClinVar aggregate classification (germline): Uncertain significance (1 of 4 stars; one submission).

gnomAD v4.1: 2 of 1,559,026 alleles (0.00013%); highest among the groups gnomAD compares: East Asian, 0.0024%; no homozygotes.

Submission:

Labcorp Genetics (formerly Invitae), Labcorp
Classification: Uncertain significance. Last evaluated: 2023-09-05. Review status: criteria provided, single submitter. Criteria: Invitae Variant Classification Sherloc (09022015). Collection method: clinical testing. Allele origin: germline.
Comment: Algorithms developed to predict the effect of missense changes on protein structure and function output the following: SIFT: "Not Available"; PolyPhen-2: "Benign"; Align-GVGD: "Not Available". The arginine amino acid residue is found in multiple mammalian species, which suggests that this missense change does not adversely affect protein function. This variant has not been reported in the literature in individuals affected with MKL1-related conditions. This variant is present in population databases (no rsID available, gnomAD 0.008%). This sequence change replaces glutamine, which is neutral and polar, with arginine, which is basic and polar, at codon 557 of the MKL1 protein (p.Gln557Arg). In summary, the available evidence is currently insufficient to determine the role of this variant in disease. Therefore, it has been classified as a Variant of Uncertain Significance.